The following is an entry in ClinVar:

NM_001103.4(ACTN2):c.1102G>C (p.Val368Leu)

Gene: ACTN2 (actinin alpha 2; plus strand). Cytogenetic location: 1q43.
Variant type: single nucleotide variant.
Coding change: c.1102G>C on transcript NM_001103.4 (MANE Select); coding-DNA position 1102, G replaced by C.
Protein change: p.Val368Leu; replaces valine 368 with leucine.
Molecular consequence: missense variant.
Genome position (GRCh38, 1-based): chr1:236,739,527, G>C. VCF-style: chr1-236739527-G-C. GRCh37 (hg19) VCF-style: chr1-236902827-G-C.
Other names: c.1102G>C (NM_001103.2); c.1102G>C, p.Val368Leu (NM_001278343.2); c.478G>C, p.Val160Leu (NM_001278344.2); c.352G>C, p.Val118Leu (NM_001412150.1); short protein forms V118L, V160L, V368L.
Identifiers: ClinVar variation 2047710 (VCV002047710.5), dbSNP rs1181262427, ClinGen allele CA345380892.

ClinVar aggregate classification (germline): Uncertain significance. Review status: criteria provided, multiple submitters, no conflicts (2 of 4 stars). 2 submissions from 2 submitters: Uncertain significance (2). Last evaluated 2024-09-23.

Conditions:
Dilated cardiomyopathy 1AA (CMD1AA). Also called: CARDIOMYOPATHY, FAMILIAL HYPERTROPHIC, 23, WITH OR WITHOUT LEFT VENTRICULAR NONCOMPACTION; CARDIOMYOPATHY, DILATED, 1AA, WITH OR WITHOUT LEFT VENTRICULAR NONCOMPACTION; Cardiomyopathy, dilated, 1AA, with or without LVNC. Identifiers: Orphanet 154, MedGen C2677338, MONDO:0012808, OMIM 612158.
Primary familial hypertrophic cardiomyopathy (HCM). Identifiers: Orphanet 99739, MedGen C0949658, MeSH D024741, MONDO:0024573. Inheritance: Various modes of inheritance.
Cardiovascular phenotype. Identifiers: MedGen CN230736.

Submissions (2):

Ambry Genetics
Classification: Uncertain significance for Cardiovascular phenotype. Last evaluated: 2024-09-23. Review status: criteria provided, single submitter. Criteria: Ambry Variant Classification Scheme 2023. Collection method: clinical testing. Allele origin: germline.
Comment: The p.V368L variant (also known as c.1102G>C), located in coding exon 10 of the ACTN2 gene, results from a G to C substitution at nucleotide position 1102. The valine at codon 368 is replaced by leucine, an amino acid with highly similar properties. This amino acid position is conserved. In addition, the in silico prediction for this alteration is inconclusive. Based on the available evidence, the clinical significance of this variant remains unclear.

Labcorp Genetics (formerly Invitae), Labcorp
Classification: Uncertain significance for Primary familial hypertrophic cardiomyopathy; Dilated cardiomyopathy 1AA. Last evaluated: 2022-03-16. Review status: criteria provided, single submitter. Criteria: Invitae Variant Classification Sherloc (09022015). Collection method: clinical testing. Allele origin: germline.
Comment: In summary, the available evidence is currently insufficient to determine the role of this variant in disease. Therefore, it has been classified as a Variant of Uncertain Significance. Advanced modeling of protein sequence and biophysical properties (such as structural, functional, and spatial information, amino acid conservation, physicochemical variation, residue mobility, and thermodynamic stability) performed at Invitae indicates that this missense variant is not expected to disrupt ACTN2 protein function. This variant has not been reported in the literature in individuals affected with ACTN2-related conditions. This variant is not present in population databases (gnomAD no frequency). This sequence change replaces valine, which is neutral and non-polar, with leucine, which is neutral and non-polar, at codon 368 of the ACTN2 protein (p.Val368Leu).